The following is an entry in ClinVar:

NM_015450.3(POT1):c.1414A>C (p.Ser472Arg)

Gene: POT1 (protection of telomeres 1; minus strand). Cytogenetic location: 7q31.33.
Variant type: single nucleotide variant.
Coding change: c.1414A>C on transcript NM_015450.3 (MANE Select); coding-DNA position 1414, A replaced by C.
Protein change: p.Ser472Arg; replaces serine 472 with arginine.
Molecular consequence: missense variant. On other transcripts: non-coding transcript variant (3).
Genome position (GRCh38, 1-based): chr7:124,835,370, T>G on the plus strand (A>C on the coding strand, the complement: POT1 is on the minus strand). VCF-style: chr7-124835370-T-G. GRCh37 (hg19) VCF-style: chr7-124475424-T-G.
Other names: c.1021A>C, p.Ser341Arg (NM_001042594.2); short protein forms S341R, S472R.
Identifiers: ClinVar variation 819154 (VCV000819154.7), dbSNP rs769757327, ClinGen allele CA369065818.

ClinVar aggregate classification (germline): Uncertain significance. Review status: criteria provided, multiple submitters, no conflicts (2 of 4 stars). 2 submissions from 2 submitters: Uncertain significance (2). Last evaluated 2023-02-25.

Conditions:
Tumor predisposition syndrome 3 (TPDS3). Also called: Glioma susceptibility 9; LONG TELOMERE SYNDROME, POT1-RELATED; POT1 Tumor Predisposition; Melanoma, cutaneous malignant, susceptibility to, 10. Identifiers: Orphanet 618, MedGen C4014476, MONDO:0014368, OMIM 615848.
Hereditary cancer-predisposing syndrome. Also called: Tumor predisposition; Hereditary Cancer Syndrome; Hereditary neoplastic syndrome; Neoplastic Syndromes, Hereditary. Identifiers: Orphanet 140162, MedGen C0027672, MeSH D009386, MONDO:0015356.

Submissions (2):

Labcorp Genetics (formerly Invitae), Labcorp
Classification: Uncertain significance for Tumor predisposition syndrome 3. Last evaluated: 2023-02-25. Review status: criteria provided, single submitter. Criteria: Invitae Variant Classification Sherloc (09022015). Collection method: clinical testing. Allele origin: germline.
Comment: This variant has not been reported in the literature in individuals affected with POT1-related conditions. In summary, the available evidence is currently insufficient to determine the role of this variant in disease. Therefore, it has been classified as a Variant of Uncertain Significance. Advanced modeling of protein sequence and biophysical properties (such as structural, functional, and spatial information, amino acid conservation, physicochemical variation, residue mobility, and thermodynamic stability) performed at Invitae indicates that this missense variant is not expected to disrupt POT1 protein function. ClinVar contains an entry for this variant (Variation ID: 819154). This variant is not present in population databases (gnomAD no frequency). This sequence change replaces serine, which is neutral and polar, with arginine, which is basic and polar, at codon 472 of the POT1 protein (p.Ser472Arg).

Ambry Genetics
Classification: Uncertain significance for Hereditary cancer-predisposing syndrome. Last evaluated: 2019-03-07. Review status: criteria provided, single submitter. Criteria: Ambry Variant Classification Scheme 2023. Collection method: clinical testing. Allele origin: germline.
Comment: The p.S472R variant (also known as c.1414A>C), located in coding exon 11 of the POT1 gene, results from an A to C substitution at nucleotide position 1414. The serine at codon 472 is replaced by arginine, an amino acid with dissimilar properties. This amino acid position is well conserved in available vertebrate species. In addition, this alteration is predicted to be tolerated by in silico analysis. Since supporting evidence is limited at this time, the clinical significance of this alteration remains unclear.